The following is an entry in ClinVar:

NM_000038.6(APC):c.5918G>A (p.Ser1973Asn)

Gene: APC (APC regulator of Wnt signaling pathway; plus strand). Cytogenetic location: 5q22.2.
Variant type: single nucleotide variant.
Coding change: c.5918G>A on transcript NM_000038.6 (MANE Select); coding-DNA position 5918, G replaced by A.
Protein change: p.Ser1973Asn; replaces serine 1973 with asparagine.
Molecular consequence: missense variant.
Genome position (GRCh38, 1-based): chr5:112,841,512, G>A. VCF-style: chr5-112841512-G-A. GRCh37 (hg19) VCF-style: chr5-112177209-G-A.
Other names: c.5918G>A, p.Ser1973Asn (NM_001127510.3, NM_001354895.2); c.5864G>A, p.Ser1955Asn (NM_001127511.3); c.5972G>A, p.Ser1991Asn (NM_001354896.2); c.5948G>A, p.Ser1983Asn (NM_001354897.2); c.5843G>A, p.Ser1948Asn (NM_001354898.2); c.5834G>A, p.Ser1945Asn (NM_001354899.2); c.5795G>A, p.Ser1932Asn (NM_001354900.2); c.5741G>A, p.Ser1914Asn (NM_001354901.2); and 5 more; short protein forms S1955N, S1973N, S1847N, S1872N, S1983N, S1948N, S1991N, S1690N.
Identifiers: ClinVar variation 232146 (VCV000232146.32), dbSNP rs4987109, ClinGen allele CA10578414.
Genomic context (GRCh38, chr5:112,841,512, plus strand): 5'-ATTTTGCTATTGAAAATACTCCGGTTTGCTTTTCTCATAATTCCTCTCTGAGTTCTCTCA[G>A]TGACATTGACCAAGAAAACAACAATAAAGAAAATGAACCTATCAAAGAGACTGAGCCCCC-3'
Protein context (NP_000029.2, residues 1963-1983): FSHNSSLSSL[Ser1973Asn]DIDQENNNKE

ClinVar aggregate classification (germline): Conflicting classifications of pathogenicity. Review status: criteria provided, conflicting classifications (1 of 4 stars). 9 submissions from 9 submitters: Uncertain significance (8); Likely benign (1). Last evaluated 2025-10-06.

Conditions:
Hereditary cancer-predisposing syndrome. Also called: Neoplastic Syndromes, Hereditary; Tumor predisposition; Hereditary Cancer Syndrome; Hereditary neoplastic syndrome. Identifiers: Orphanet 140162, MedGen C0027672, MeSH D009386, MONDO:0015356.
Familial adenomatous polyposis 1 (FAP1). Also called: FAMILIAL ADENOMATOUS POLYPOSIS 1, ATTENUATED; POLYPOSIS, ADENOMATOUS INTESTINAL. Identifiers: MedGen C2713442, MONDO:0021056, OMIM 175100. Disease mechanism: loss of function.
Classic or attenuated familial adenomatous polyposis. Identifiers: MedGen CN372698, MONDO:0021057.

Allele frequency attached by ClinVar (database versions not stated): gnomAD 0.00001; TOPMed 0.00003.
gnomAD v4.1: 1 of 1,613,736 alleles (0.000062%); highest among the groups gnomAD compares: Admixed American, 0.0017%; no homozygotes.

Submissions (9):

Labcorp Genetics (formerly Invitae), Labcorp
Classification: Uncertain significance for Familial adenomatous polyposis 1. Last evaluated: 2025-10-06. Review status: criteria provided, single submitter. Criteria: Invitae Variant Classification Sherloc (09022015). Collection method: clinical testing. Allele origin: germline.
Comment: This sequence change replaces serine, which is neutral and polar, with asparagine, which is neutral and polar, at codon 1973 of the APC protein (p.Ser1973Asn). This variant is not present in population databases (gnomAD no frequency). This variant has not been reported in the literature in individuals affected with APC-related conditions. ClinVar contains an entry for this variant (Variation ID: 232146). Invitae Evidence Modeling of protein sequence and biophysical properties (such as structural, functional, and spatial information, amino acid conservation, physicochemical variation, residue mobility, and thermodynamic stability) indicates that this missense variant is not expected to disrupt APC protein function with a negative predictive value of 95%. In summary, the available evidence is currently insufficient to determine the role of this variant in disease. Therefore, it has been classified as a Variant of Uncertain Significance.

Quest Diagnostics Nichols Institute San Juan Capistrano
Classification: Uncertain significance. Last evaluated: 2025-08-01. Review status: criteria provided, single submitter. Criteria: Quest Diagnostics criteria. Collection method: clinical testing. Allele origin: unknown.
Comment: The APC c.5918G>A (p.Ser1973Asn) variant has not been reported in individuals with APC-related conditions in the published literature. The frequency of this variant in the general population (Genome Aggregation Database) is uninformative in the assessment of its pathogenicity. Analysis of this variant using bioinformatics tools for the prediction of the effect of amino acid changes on protein structure and function yielded predictions that this variant is damaging. Based on the available information, we are unable to determine the clinical significance of this variant.

Women's Health and Genetics/Laboratory Corporation of America, LabCorp
Classification: Uncertain significance. Last evaluated: 2025-04-07. Review status: criteria provided, single submitter. Criteria: LabCorp Variant Classification Summary - May 2015. Collection method: clinical testing. Allele origin: germline.
Comment: Variant summary: APC c.5918G>A (p.Ser1973Asn) results in a conservative amino acid change in the encoded protein sequence. Four of five in-silico tools predict a damaging effect of the variant on protein function. The variant was absent in 250650 control chromosomes. The available data on variant occurrences in the general population are insufficient to allow any conclusion about variant significance. To our knowledge, no occurrence of c.5918G>A in individuals affected with Familial Adenomatous Polyposis and no experimental evidence demonstrating its impact on protein function have been reported. ClinVar contains an entry for this variant (Variation ID: 232146). Based on the evidence outlined above, the variant was classified as uncertain significance.

GeneDx
Classification: Uncertain significance. Last evaluated: 2025-04-03. Review status: criteria provided, single submitter. Criteria: GeneDx Variant Classification Process June 2021. Collection method: clinical testing. Allele origin: germline. Affected: yes.
Comment: Not observed at significant frequency in large population cohorts (gnomAD); In silico analysis indicates that this missense variant does not alter protein structure/function; Has not been previously published as pathogenic or benign to our knowledge; This variant is associated with the following publications: (PMID: 18199528)

Ambry Genetics
Classification: Likely benign for Hereditary cancer-predisposing syndrome. Last evaluated: 2024-11-05. Review status: criteria provided, single submitter. Criteria: Ambry Variant Classification Scheme 2023. Collection method: clinical testing. Allele origin: germline.

Baylor Genetics
Classification: Uncertain significance for Familial adenomatous polyposis 1. Last evaluated: 2023-12-11. Review status: criteria provided, single submitter. Criteria: ACMG Guidelines, 2015. Collection method: clinical testing. Allele origin: unknown.

All of Us Research Program, National Institutes of Health
Classification: Uncertain significance for Classic or attenuated familial adenomatous polyposis. Last evaluated: 2023-11-28. Review status: criteria provided, single submitter. Criteria: ACMG Guidelines, 2015. Collection method: clinical testing. Allele origin: germline. Inheritance: Autosomal dominant inheritance. Observed: 3 variant alleles, 3 heterozygotes.
Comment: This missense variant replaces serine with asparagine at codon 1973 of the APC protein. Computational prediction suggests that this variant may not impact protein structure and function (internally defined REVEL score threshold <= 0.5, PMID: 27666373). To our knowledge, functional studies have not been reported for this variant. This variant has not been reported in individuals affected with APC-related disorders in the literature. This variant has not been identified in the general population by the Genome Aggregation Database (gnomAD). The available evidence is insufficient to determine the role of this variant in disease conclusively. Therefore, this variant is classified as a Variant of Uncertain Significance.

This study involves interpretation of variants in research participants for the purpose of population health screening. Participant phenotype was not available at the time of variant classification. Additional details can be found in publication PMID: 35346344, PMCID: PMC8962531

Institute for Biomarker Research, Medical Diagnostic Laboratories, L.L.C.
Classification: Uncertain significance for Hereditary cancer-predisposing syndrome. Last evaluated: 2023-10-17. Review status: criteria provided, single submitter. Criteria: ACMG Guidelines, 2015. Collection method: clinical testing. Allele origin: germline.

Color Diagnostics, LLC DBA Color Health
Classification: Uncertain significance for Hereditary cancer-predisposing syndrome. Last evaluated: 2023-06-29. Review status: criteria provided, single submitter. Criteria: ACMG Guidelines, 2015. Collection method: clinical testing. Allele origin: germline.
Comment: This missense variant replaces serine with asparagine at codon 1973 of the APC protein. Computational prediction suggests that this variant may not impact protein structure and function (internally defined REVEL score threshold <= 0.5, PMID: 27666373). To our knowledge, functional studies have not been reported for this variant. This variant has not been reported in individuals affected with APC-related disorders in the literature. This variant has not been identified in the general population by the Genome Aggregation Database (gnomAD). The available evidence is insufficient to determine the role of this variant in disease conclusively. Therefore, this variant is classified as a Variant of Uncertain Significance.